The following is an entry in ClinVar:

NM_022132.5(MCCC2):c.1366G>T (p.Ala456Ser)

Gene: MCCC2 (methylcrotonyl-CoA carboxylase subunit 2; plus strand). Cytogenetic location: 5q13.2.
Variant type: single nucleotide variant.
Coding change: c.1366G>T on transcript NM_022132.5 (MANE Select); coding-DNA position 1366, G replaced by T.
Protein change: p.Ala456Ser; replaces alanine 456 with serine.
Molecular consequence: missense variant.
Genome position (GRCh38, 1-based): chr5:71,649,246, G>T. VCF-style: chr5-71649246-G-T. GRCh37 (hg19) VCF-style: chr5-70945073-G-T.
Other names: c.1252G>T, p.Ala418Ser (NM_001363147.1); short protein forms A418S, A456S.
Identifiers: ClinVar variation 5003020 (VCV005003020.1).

ClinVar aggregate classification (germline): Uncertain significance (1 of 4 stars; one submission).

Conditions:
3-methylcrotonyl-CoA carboxylase 2 deficiency. Also called: METHYLCROTONYLGLYCINURIA, TYPE II; 3 alpha methylcrotonyl-CoA carboxylase 2 deficiency; 3 alpha methylcrotonylglycinuria 2; MCC 2 deficiency; Methylcrotonylglycinuria type 2. Identifiers: Orphanet 6, MedGen C1859499, MONDO:0008862, OMIM 210210.

Submission:

OLLIN Analises Genomicas, OLLIN
Classification: Uncertain significance for 3-methylcrotonyl-CoA carboxylase 2 deficiency. Last evaluated: 2026-08-06. Review status: criteria provided, single submitter. Criteria: ACMG Guidelines 2015 PMID 25741868. Collection method: clinical testing. Allele origin: germline.
Comment: This missense variant, located in exon 14 (of 17), is absent from gnomAD and ClinVar and has not been identified in the literature. In silico analysis is inconclusive regarding the impact of this variant. Another pathogenic variant affecting the same amino acid residue has been reported. This gene is constrained for missense variation. According to the currently available evidence, this variant has been classified as uncertain significance (PM2_P, PM5, PP2).